The following is an entry in ClinVar:

NM_005751.5(AKAP9):c.1A>C (p.Met1Leu)

Genes: AKAP9 (A-kinase anchoring protein 9; plus strand), LOC129998788 (ATAC-STARR-seq lymphoblastoid active region 26256; plus strand). Cytogenetic location: 7q21.2.
Variant type: single nucleotide variant.
Coding change: c.1A>C on transcript NM_005751.5 (MANE Select); coding-DNA position 1, A replaced by C.
Protein change: p.Met1Leu; changes the start codon (methionine 1).
Molecular consequence: missense variant, initiator codon variant.
Genome position (GRCh38, 1-based): chr7:91,941,100, A>C. VCF-style: chr7-91941100-A-C. GRCh37 (hg19) VCF-style: chr7-91570414-A-C.
Other names: c.1A>C, p.Met1Leu (NM_147185.3); short protein forms M1L.
Identifiers: ClinVar variation 4712651 (VCV004712651.1).

ClinVar aggregate classification (germline): Uncertain significance (1 of 4 stars; one submission).

Conditions:
Long QT syndrome (LQTS). Identifiers: MedGen C0023976, MeSH D008133, MONDO:0002442. Disease mechanism: loss of function. Inheritance: Various modes of inheritance.

Submission:

Labcorp Genetics (formerly Invitae), Labcorp
Classification: Uncertain significance for Long QT syndrome. Last evaluated: 2025-02-11. Review status: criteria provided, single submitter. Criteria: Invitae Variant Classification Sherloc (09022015). Collection method: clinical testing. Allele origin: germline.
Comment: This sequence change affects the initiator methionine of the AKAP9 mRNA. The next in-frame methionine is located at codon 65. This variant is not present in population databases (gnomAD no frequency). This variant has not been reported in the literature in individuals affected with AKAP9-related conditions. Experimental studies and prediction algorithms are not available or were not evaluated, and the functional significance of this variant is currently unknown. In summary, the available evidence is currently insufficient to determine the role of this variant in disease. Therefore, it has been classified as a Variant of Uncertain Significance.